The following is an entry in ClinVar:

ClinVar aggregate classification (germline): Uncertain significance. Review status: criteria provided, multiple submitters, no conflicts (2 of 4 stars). 2 submissions from 2 submitters: Uncertain significance (2). Last evaluated 2024-06-05.

Conditions:
Inborn genetic diseases. Identifiers: MedGen C0950123, MeSH D030342.

gnomAD v4.1: 9 of 1,612,608 alleles (0.00056%); highest among the groups gnomAD compares: Admixed American, 0.0067%; no homozygotes.

Submissions (2):

Ambry Genetics
Classification: Uncertain significance for Inborn genetic diseases. Last evaluated: 2024-06-05. Review status: criteria provided, single submitter. Criteria: Ambry Variant Classification Scheme 2023. Collection method: clinical testing. Allele origin: germline.

Women's Health and Genetics/Laboratory Corporation of America, LabCorp
Classification: Uncertain significance. Last evaluated: 2024-02-27. Review status: criteria provided, single submitter. Criteria: LabCorp Variant Classification Summary - May 2015. Collection method: clinical testing. Allele origin: germline.
Comment: Variant summary: PKD1 c.12316C>G (p.Leu4106Val) results in a conservative amino acid change located in the Polycystin cation channel, PKD1/PKD2 (IPR013122) of the encoded protein sequence. Three of five in-silico tools predict a benign effect of the variant on protein function. The variant allele was found at a frequency of 1.2e-05 in 244728 control chromosomes. The available data on variant occurrences in the general population are insufficient to allow any conclusion about variant significance. To our knowledge, no occurrence of c.12316C>G in individuals affected with Polycystic Kidney Disease 1 and no experimental evidence demonstrating its impact on protein function have been reported. No submitters have cited clinical-significance assessments for this variant to ClinVar. Based on the evidence outlined above, the variant was classified as uncertain significance.

NM_001009944.3(PKD1):c.12316C>G (p.Leu4106Val)

Gene: PKD1 (polycystin 1, transient receptor potential channel interacting; minus strand). Cytogenetic location: 16p13.3.
Variant type: single nucleotide variant.
Coding change: c.12316C>G on transcript NM_001009944.3 (MANE Select); coding-DNA position 12316, C replaced by G.
Protein change: p.Leu4106Val; replaces leucine 4106 with valine.
Molecular consequence: missense variant.
Genome position (GRCh38, 1-based): chr16:2,090,413, G>C on the plus strand (C>G on the coding strand, the complement: PKD1 is on the minus strand). VCF-style: chr16-2090413-G-C. GRCh37 (hg19) VCF-style: chr16-2140414-G-C.
Other names: c.12313C>G, p.Leu4105Val (NM_000296.4); c.12313C>G (NM_000296.3); short protein forms L4105V, L4106V.
Identifiers: ClinVar variation 3068914 (VCV003068914.3), dbSNP rs765313088, ClinGen allele CA394325489.
Genomic context (GRCh38, chr16:2,090,413, plus strand): 5'-CCTGGGGCTCCCAGGCCGGCCGGTACAGCTCTCCACGCAAGGCGTGGTAGCGCCAGCGGA[G>C]AATAACAGCCCCCAGCCGTAGGGCGCCCCACAGCCGCAGTGCCCAGAGCCCCACACACAG-3'
Protein context (NP_001009944.3, residues 4096-4116): WGALRLGAVI[Leu4106Val]RWRYHALRGE